The following is an entry in ClinVar:

ClinVar aggregate classification (germline): Pathogenic. Review status: criteria provided, single submitter (1 of 4 stars). 2 submissions from 2 submitters: Pathogenic (1). 1 of the submissions does not count toward it. Last evaluated 2025-11-24.

Conditions:
beta Thalassemia (BTHAL). Also called: Cooley's anemia; Erythroblastic anemia; Mediterranean anemia. Identifiers: Orphanet 848, MedGen C0005283, MONDO:0019402. Disease mechanism: loss of function.

Submissions (2):

Natera, Inc.
Classification: Pathogenic for Beta thalassemia. Last evaluated: 2025-11-24. Review status: criteria provided, single submitter. Criteria: Natera Variant Classification Schema (03/2026). Collection method: clinical testing. Allele origin: germline.
Comment: The c.315+2T>C variant in HBB is a canonical splice donor site variant predicted to affect pre-mRNA splicing, which may result in an abnormal transcript and altered protein product. This variant is expected to result in nonsense mediated decay, truncation, or a dysfunctional protein product. This variant is rare in the general population with a frequency below the threshold expected for the associated phenotype(s). This variant has been observed in one or more individuals affected with the associated recessive disease, as either homozygous or compound heterozygous with a second variant (PMID: 19657836). Another variant at this same site results in an alteration predicted to cause a similar molecular effect has been observed in individual(s) with the associated phenotype. Given the available evidence, this variant is classified as Pathogenic.

The ITHANET community portal, The Cyprus Institute of Neurology and Genetics
Classification: Pathogenic for beta Thalassemia. Last evaluated: 2019-11-25. Review status: no assertion criteria provided. Collection method: curation. Allele origin: germline. Not counted in ClinVar's aggregate classification.

Literature cited by the submitters: PubMed 19657836 (cited by Natera, Inc. and The ITHANET community portal, The Cyprus Institute of Neurology and Genetics).

NM_000518.5(HBB):c.315+2T>C

Genes: HBB (hemoglobin subunit beta; minus strand), LOC106099062 (HBB recombination region; plus strand), LOC107133510 (origin of replication at HBB; plus strand), LOC110006319 (beta-globin gene 3' regulatory region; plus strand). Cytogenetic location: 11p15.4.
Variant type: single nucleotide variant.
Coding change: c.315+2T>C on transcript NM_000518.5 (MANE Select); the canonical splice donor site of the intron after coding-DNA position 315, T replaced by C.
Molecular consequence: splice donor variant.
Genome position (GRCh38, 1-based): chr11:5,226,575, A>G on the plus strand (T>C on the coding strand, the complement: HBB is on the minus strand). VCF-style: chr11-5226575-A-G. GRCh37 (hg19) VCF-style: chr11-5247805-A-G.
Other names: IVS II-2 T>C; IVS2, T-C, +2.
Identifiers: ClinVar variation 869355 (VCV000869355.2), dbSNP rs63750283, ClinGen allele CA217113386.